The following is an entry in ClinVar:

ClinVar aggregate classification (germline): Likely benign. Review status: criteria provided, single submitter (1 of 4 stars). 2 submissions from 1 submitter: Likely benign (2). Last evaluated 2018-01-13.

Conditions:
Mevalonic aciduria (MEVA). Identifiers: Orphanet 29, MedGen C1959626, MONDO:0012481, OMIM 610377.
Hyperimmunoglobulin D with periodic fever (HIDS). Also called: Hyperimmunoglobulinemia D with periodic fever; HYPERIMMUNOGLOBULINEMIA D AND PERIODIC FEVER SYNDROME; Hyperimmunoglobulinemia D. Identifiers: Orphanet 343, MedGen C0398691, MONDO:0009849, OMIM 260920.

Allele frequency attached by ClinVar (database versions not stated): gnomAD exomes 0.00026; gnomAD 0.00292 and 0.00310; 1000 Genomes Project 30x 0.00312; TOPMed 0.00313; 1000 Genomes Project 0.00319.

Submissions (2):

Illumina Laboratory Services, Illumina
Classification: Likely benign for Mevalonic aciduria. Last evaluated: 2018-01-13. Review status: criteria provided, single submitter. Criteria: ICSL Variant Classification Criteria 13 December 2019. Collection method: clinical testing. Allele origin: germline.
Comment: This variant was observed in the ICSL laboratory as part of a predisposition screen in an ostensibly healthy population. It had not been previously curated by ICSL or reported in the Human Gene Mutation Database (HGMD: prior to June 1st, 2018), and was therefore a candidate for classification through an automated scoring system. Utilizing variant allele frequency, disease prevalence and penetrance estimates, and inheritance mode, an automated score was calculated to assess if this variant is too frequent to cause the disease. Based on the score and internal cut-off values, a variant classified as likely benign is not then subjected to further curation. The score for this variant resulted in a classification of likely benign for this disease.

Illumina Laboratory Services, Illumina
Classification: Likely benign for Hyperimmunoglobulin D with periodic fever. Last evaluated: 2018-01-13. Review status: criteria provided, single submitter. Criteria: ICSL Variant Classification Criteria 13 December 2019. Collection method: clinical testing. Allele origin: germline.
Comment: the same text as in the submission from Illumina Laboratory Services, Illumina above.

NM_000431.4(MVK):c.*90G>A

Gene: MVK (mevalonate kinase; plus strand). Cytogenetic location: 12q24.11.
Variant type: single nucleotide variant.
Coding change: c.*90G>A on transcript NM_000431.4 (MANE Select); 90 bases downstream of the stop codon, G replaced by A.
Molecular consequence: 3 prime UTR variant.
Genome position (GRCh38, 1-based): chr12:109,596,667, G>A. VCF-style: chr12-109596667-G-A. GRCh37 (hg19) VCF-style: chr12-110034472-G-A.
Other names: c.*90G>A (NM_001114185.3, NM_001301182.2).
Identifiers: ClinVar variation 881691 (VCV000881691.4), dbSNP rs142150449, ClinGen allele CA243462778.